The following is an entry in ClinVar:

NM_001146312.3(MYOCD):c.*6C>T

Genes: ARHGAP44-AS1 (ARHGAP44 and MYOCD antisense RNA 1; minus strand), MYOCD (myocardin; plus strand). Cytogenetic location: 17p12.
Variant type: single nucleotide variant.
Coding change: c.*6C>T on transcript NM_001146312.3 (MANE Select); 6 bases downstream of the stop codon, C replaced by T.
Molecular consequence: 3 prime UTR variant. On other transcripts: non-coding transcript variant (1).
Genome position (GRCh38, 1-based): chr17:12,763,650, C>T. VCF-style: chr17-12763650-C-T. GRCh37 (hg19) VCF-style: chr17-12666967-C-T.
Other names: c.*6C>T (NM_001378306.1, NM_153604.4).
Identifiers: ClinVar variation 3355081 (VCV003355081.1).

ClinVar aggregate classification (germline): Likely benign (0 of 4 stars; one submission).

Conditions:
MYOCD-related condition.

gnomAD v4.1: 37 of 1,601,182 alleles (0.0023%); highest among the groups gnomAD compares: South Asian, 0.037%; 3 homozygotes.

Submission:

PreventionGenetics, part of Exact Sciences
Classification: Likely benign for MYOCD-related condition. Last evaluated: 2024-07-23. Review status: no assertion criteria provided. Collection method: clinical testing. Allele origin: germline.
Comment: This variant is classified as likely benign based on ACMG/AMP sequence variant interpretation guidelines (Richards et al. 2015 PMID: 25741868, with internal and published modifications).